The following is an entry in ClinVar:

ClinVar aggregate classification (germline): Uncertain significance (1 of 4 stars; one submission).

Allele frequency attached by ClinVar (database versions not stated): ESP Exome Variant Server 0.00017; gnomAD exomes 0.00019; ExAC 0.00021; gnomAD 0.00021 and 0.00028; TOPMed 0.00026; 1000 Genomes Project 0.00060; 1000 Genomes Project 30x 0.00062.
gnomAD v4.1: 234 of 1,614,116 alleles (0.014%); highest among the groups gnomAD compares: East Asian, 0.29%; 1 homozygote.

Submission:

Labcorp Genetics (formerly Invitae), Labcorp
Classification: Uncertain significance. Last evaluated: 2025-12-22. Review status: criteria provided, single submitter. Criteria: Invitae Variant Classification Sherloc (09022015). Collection method: clinical testing. Allele origin: germline.
Comment: This sequence change replaces arginine, which is basic and polar, with glutamine, which is neutral and polar, at codon 160 of the SUCLG2 protein (p.Arg160Gln). This variant is present in population databases (rs148943214, gnomAD 0.1%), and has an allele count higher than expected for a pathogenic variant. This variant has not been reported in the literature in individuals affected with SUCLG2-related conditions. ClinVar contains an entry for this variant (Variation ID: 1465098). An algorithm developed to predict the effect of missense changes on protein structure and function (PolyPhen-2) suggests that this variant is likely to be tolerated. In summary, the available evidence is currently insufficient to determine the role of this variant in disease. Therefore, it has been classified as a Variant of Uncertain Significance.

NM_003848.4(SUCLG2):c.479G>A (p.Arg160Gln)

Gene: SUCLG2 (succinate-CoA ligase GDP-forming subunit beta; minus strand). Cytogenetic location: 3p14.1.
Variant type: single nucleotide variant.
Coding change: c.479G>A on transcript NM_003848.4 (MANE Select); coding-DNA position 479, G replaced by A.
Protein change: p.Arg160Gln; replaces arginine 160 with glutamine.
Molecular consequence: missense variant.
Genome position (GRCh38, 1-based): chr3:67,520,573, C>T on the plus strand (G>A on the coding strand, the complement: SUCLG2 is on the minus strand). VCF-style: chr3-67520573-C-T. GRCh37 (hg19) VCF-style: chr3-67570997-C-T.
Other names: c.479G>A, p.Arg160Gln (NM_001177599.2); short protein forms R160Q.
Identifiers: ClinVar variation 1465098 (VCV001465098.6), dbSNP rs148943214, ClinGen allele CA2486013.
Genomic context (GRCh38, chr3:67,520,573, plus strand): 5'-ACCTCTTCAATGTCGACGCCCCCCTGGGGGCTGCCCACCAGCACGGGGCCATTGCAGGAC[C>T]GGTCCATCAGAATTGCCAGGTAGGTTTCTCTGGAAATATCCAAGGCTTCAGCAACCATCA-3'
Protein context (NP_003839.2, residues 150-170): RETYLAILMD[Arg160Gln]SCNGPVLVGS